The following is an entry in ClinVar:

NC_000023.11:g.(?_139530759)_(139562076_?)del

Gene: F9 (coagulation factor IX; plus strand). Cytogenetic location: Xq27.1.
Variant type: Deletion.
Identifiers: ClinVar variation 537740 (VCV000537740.1).

ClinVar aggregate classification (germline): Pathogenic (1 of 4 stars; one submission).

Conditions:
Hereditary factor IX deficiency disease (HEMB). Also called: PLASMA THROMBOPLASTIN COMPONENT DEFICIENCY; Hemophilia B; F9 DEFICIENCY; FACTOR IX DEFICIENCY; Christmas Disease. Identifiers: Orphanet 98879, MedGen C0008533, MeSH D002836, MONDO:0010604, OMIM 306900.
Thrombophilia, X-linked, due to factor 9 defect. Identifiers: MedGen C2749016, MONDO:0010432, OMIM 300807.

Submission:

Labcorp Genetics (formerly Invitae), Labcorp
Classification: Pathogenic for Thrombophilia, X-linked, due to factor 9 defect; Hereditary factor IX deficiency disease. Last evaluated: 2017-11-18. Review status: criteria provided, single submitter. Criteria: Invitae Variant Classification Sherloc (09022015). Collection method: clinical testing. Allele origin: germline.
Comment: A gross deletion of the genomic region encompassing the full coding sequence of the F9 gene has been identified. The boundaries of this event are unknown as the deletion extends beyond the assayed region for this gene and therefore may encompass additional genes. Whole gene deletions of F9 have been reported in numerous individuals with hemophilia B (PMID: 24375831, 8304338, 3029178, 2198809, 4045960). Loss-of-function variants in F9 are known to be pathogenic (PMID: 20301668). For these reasons, this variant has been classified as Pathogenic.

Literature cited by the submitters: PubMed 3029178; PubMed 2198809; PubMed 24375831; PubMed 8304338; PubMed 4045960.